The following is an entry in ClinVar:

ClinVar aggregate classification (germline): Uncertain significance (1 of 4 stars; one submission).

Submission:

Clinical Genomics Laboratory, Washington University in St. Louis
Classification: Uncertain significance. Last evaluated: 2026-04-13. Review status: criteria provided, single submitter. Criteria: ACMG Guidelines, 2015. Collection method: clinical testing. Allele origin: germline.
Comment: The PTPN13 c.1011_1015del (p.Arg338Lysfs*71) variant, to our knowledge, has not been reported in the medical literature and is absent from the general population (gnomAD v2.1.1), indicating it is not a common variant. This variant causes a frameshift by deleting five nucleotides, leading to a premature termination codon, which is predicted to lead to nonsense mediated decay. Due to limited information, the clinical significance of this variant is uncertain.

NM_080683.3(PTPN13):c.1011_1015del (p.Arg338fs)

Gene: PTPN13 (protein tyrosine phosphatase non-receptor type 13; plus strand). Cytogenetic location: 4q21.3.
Variant type: Deletion.
Coding change: c.1011_1015del on transcript NM_080683.3 (MANE Select); coding-DNA positions 1011 to 1015, 5 bases deleted (TAGAA; older notation c.1011_1015delTAGAA).
Protein change: p.Arg338fs; shifts the reading frame from arginine 338.
Molecular consequence: frameshift variant.
Genome position (GRCh38, 1-based): chr4:86,701,617-86,701,621, TAGAA deleted. VCF-style (leftmost placement, unchanged base first): chr4-86701616-CTAGAA-C. GRCh37 (hg19) VCF-style: chr4-87622769-CTAGAA-C.
Other names: c.1011_1015del, p.Arg338fs (NM_006264.3, NM_080684.3, NM_080685.3); short protein forms R338fs.
Identifiers: ClinVar variation 4879273 (VCV004879273.1).